The following is an entry in ClinVar:

ClinVar aggregate classification (germline): Likely pathogenic (0 of 4 stars; one submission).

Conditions:
Autosomal recessive nonsyndromic hearing loss 9. Also called: Deafness, autosomal recessive 9; NEUROSENSORY NONSYNDROMIC RECESSIVE DEAFNESS 9; OTOF-Related Hearing Loss; AUDITORY NEUROPATHY, AUTOSOMAL RECESSIVE, 1, TEMPERATURE-SENSITIVE. Identifiers: Orphanet 90636, MedGen C1832828, MONDO:0010986, OMIM 601071.

Submission:

Department of Pediatrics, Division of Medical Genetics, Faculty of Medicine Ramathibodi Hospital, Mahidol University
Classification: Likely pathogenic for Autosomal recessive nonsyndromic hearing loss 9. Last evaluated: 2025-03-12. Review status: no assertion criteria provided. Collection method: research. Allele origin: germline. Inheritance: Autosomal recessive inheritance. Affected: yes. Observed: 1 compound heterozygote.
Comment: This sequence change null variant (canonical -1 splice sites) in a gene where Loss-of-function in the OTOF gene (PMID: 37189200). This variant is not present in population databases (gnomAD no frequency). For these reasons, this variant has been classified as Likely-pathogenic.

Literature cited by the submitters: PubMed 37189200.

NM_194248.3(OTOF):c.1046-1G>C

Gene: OTOF (otoferlin; minus strand). Cytogenetic location: 2p23.3.
Variant type: single nucleotide variant.
Coding change: c.1046-1G>C on transcript NM_194248.3 (MANE Select); the canonical splice acceptor site of the intron before coding-DNA position 1046, G replaced by C.
Molecular consequence: splice acceptor variant.
Genome position (GRCh38, 1-based): chr2:26,484,634, C>G on the plus strand (G>C on the coding strand, the complement: OTOF is on the minus strand). VCF-style: chr2-26484634-C-G. GRCh37 (hg19) VCF-style: chr2-26707502-C-G.
Other names: c.1046-1G>C (NM_001287489.2).
Identifiers: ClinVar variation 3774370 (VCV003774370.1).